The following is an entry in ClinVar:

ClinVar aggregate classification (germline): Uncertain significance (1 of 4 stars; one submission).

Allele frequency attached by ClinVar (database versions not stated): gnomAD 0.00001.
gnomAD v4.1: 1 of 1,613,830 alleles (0.000062%); highest among the groups gnomAD compares: African/African-American, 0.0013%; no homozygotes.

Submission:

Labcorp Genetics (formerly Invitae), Labcorp
Classification: Uncertain significance. Last evaluated: 2022-07-27. Review status: criteria provided, single submitter. Criteria: Invitae Variant Classification Sherloc (09022015). Collection method: clinical testing. Allele origin: germline.
Comment: This sequence change creates a premature translational stop signal (p.Trp161*) in the CDH2 gene. It is expected to result in an absent or disrupted protein product. However, the current clinical and genetic evidence is not sufficient to establish whether loss-of-function variants in CDH2 cause disease. This variant is present in population databases (no rsID available, gnomAD 0.01%). In summary, the available evidence is currently insufficient to determine the role of this variant in disease. Therefore, it has been classified as a Variant of Uncertain Significance. ClinVar contains an entry for this variant (Variation ID: 1047732). This variant has not been reported in the literature in individuals affected with CDH2-related conditions.

NM_001792.5(CDH2):c.482G>A (p.Trp161Ter)

Gene: CDH2 (cadherin 2; minus strand). Cytogenetic location: 18q12.1.
Variant type: single nucleotide variant.
Coding change: c.482G>A on transcript NM_001792.5 (MANE Select); coding-DNA position 482, G replaced by A.
Protein change: p.Trp161Ter; replaces tryptophan 161 with a stop codon.
Molecular consequence: nonsense.
Genome position (GRCh38, 1-based): chr18:28,011,910, C>T on the plus strand (G>A on the coding strand, the complement: CDH2 is on the minus strand). VCF-style: chr18-28011910-C-T. GRCh37 (hg19) VCF-style: chr18-25591874-C-T.
Other names: c.389G>A, p.Trp130Ter (NM_001308176.2); short protein forms W161*, W130*.
Identifiers: ClinVar variation 1047732 (VCV001047732.6), dbSNP rs1395522862, ClinGen allele CA402243875.